The following is an entry in ClinVar:

NM_000256.3(MYBPC3):c.3746G>T (p.Gly1249Val)

Gene: MYBPC3 (myosin binding protein C3; minus strand). Cytogenetic location: 11p11.2.
Variant type: single nucleotide variant.
Coding change: c.3746G>T on transcript NM_000256.3 (MANE Select); coding-DNA position 3746, G replaced by T.
Protein change: p.Gly1249Val; replaces glycine 1249 with valine.
Molecular consequence: missense variant.
Genome position (GRCh38, 1-based): chr11:47,332,140, C>A on the plus strand (G>T on the coding strand, the complement: MYBPC3 is on the minus strand). VCF-style: chr11-47332140-C-A. GRCh37 (hg19) VCF-style: chr11-47353691-C-A.
Other names: short protein forms G1249V.
Identifiers: ClinVar variation 177653 (VCV000177653.19), dbSNP rs727504259, ClinGen allele CA014754.

ClinVar aggregate classification (germline): Conflicting classifications of pathogenicity. Review status: criteria provided, conflicting classifications (1 of 4 stars). 7 submissions from 7 submitters: Likely pathogenic (2); Uncertain significance (5). Last evaluated 2025-11-26.

Conditions:
MYBPC3-related disorder. Also called: MYBPC3-related disorders; MYBPC3-related condition; MYBPC3-related disease.
Cardiovascular phenotype. Identifiers: MedGen CN230736.
Hypertrophic cardiomyopathy. Also called: HYPERTROPHIC MYOCARDIOPATHY. Identifiers: Orphanet 217569, MedGen C0007194, MeSH D002312, MONDO:0005045, HP:0001639.

gnomAD v4.1: 2 of 1,613,740 alleles (0.00012%); highest among the groups gnomAD compares: Non-Finnish European, 0.00017%; no homozygotes.

Submissions (7):

Labcorp Genetics (formerly Invitae), Labcorp
Classification: Uncertain significance for Hypertrophic cardiomyopathy. Last evaluated: 2025-11-26. Review status: criteria provided, single submitter. Criteria: Invitae Variant Classification Sherloc (09022015). Collection method: clinical testing. Allele origin: germline.
Comment: This sequence change replaces glycine, which is neutral and non-polar, with valine, which is neutral and non-polar, at codon 1249 of the MYBPC3 protein (p.Gly1249Val). This variant is not present in population databases (gnomAD no frequency). This missense change has been observed in individual(s) with hypertrophic cardiomyopathy (PMID: 24111713, 27532257, 33673806, 37652022). ClinVar contains an entry for this variant (Variation ID: 177653). An algorithm developed to predict the effect of missense changes on protein structure and function (PolyPhen-2) suggests that this variant is likely to be disruptive. In summary, the available evidence is currently insufficient to determine the role of this variant in disease. Therefore, it has been classified as a Variant of Uncertain Significance.

Mayo Clinic Laboratories, Mayo Clinic
Classification: Likely pathogenic. Last evaluated: 2025-08-27. Review status: criteria provided, single submitter. Criteria: ACMG Guidelines, 2015. Collection method: clinical testing. Allele origin: germline. Observed: 1 variant allele.
Comment: PP3, PM1, PM2_supporting, PS4

Ambry Genetics
Classification: Uncertain significance for Cardiovascular phenotype. Last evaluated: 2024-07-03. Review status: criteria provided, single submitter. Criteria: Ambry Variant Classification Scheme 2023. Collection method: clinical testing. Allele origin: germline.
Comment: The p.G1249V variant (also known as c.3746G>T), located in coding exon 33 of the MYBPC3 gene, results from a G to T substitution at nucleotide position 3746. The glycine at codon 1249 is replaced by valine, an amino acid with dissimilar properties. This alteration has been reported in individuals with hypertrophic cardiomyopathy (HCM) (Bos JM et al. Mayo Clin Proc, 2014 Jun;89:727-37; Berge KE et al. Clin Genet, 2014 Oct;86:355-60; Alfares AA et al. Genet Med, 2015 Nov;17:880-8; Dejgaard LA et al. Data Brief, 2017 Dec;15:30-39; Walsh R et al. Genet Med, 2017 Feb;19:192-203). This amino acid position is highly conserved in available vertebrate species. In addition, this alteration is predicted to be deleterious by in silico analysis. Based on the available evidence, the clinical significance of this variant remains unclear.

All of Us Research Program, National Institutes of Health
Classification: Uncertain significance for Hypertrophic cardiomyopathy. Last evaluated: 2023-08-15. Review status: criteria provided, single submitter. Criteria: ACMG Guidelines, 2015. Collection method: clinical testing. Allele origin: germline. Inheritance: Autosomal dominant inheritance. Observed: 1 variant allele, 1 heterozygote.
Comment: This study involves interpretation of variants in research participants for the purpose of population health screening. Participant phenotype was not available at the time of variant classification. Additional details can be found in publication PMID: 35346344, PMCID: PMC8962531

Blueprint Genetics
Classification: Likely pathogenic for MYBPC3-related disorders. Last evaluated: 2018-07-25. Review status: criteria provided, single submitter. Criteria: ACMG Guidelines, 2015. Collection method: clinical testing. Allele origin: germline. Affected: yes. Observed: 1 variant allele.

GeneDx
Classification: Uncertain significance. Last evaluated: 2017-01-17. Review status: criteria provided, single submitter. Criteria: GeneDx Variant Classification (06012015). Collection method: clinical testing. Allele origin: germline. Affected: yes.
Comment: A variant of uncertain significance has been identified in the MYBPC3 gene. The G1249V variant has been published in association with HCM (Berge et al., 2014); however, familial segregation information, in vitro functional studies and additional clinical information were not included. The G1249V variant was not observed in approximately 6,100 individuals of European and African American ancestry in the NHLBI Exome Sequencing Project, indicating it is not a common benign variant in these populations. This substitution occurs at a position that is conserved across species and in silico analysis predicts this variant is probably damaging to the protein structure/function. Nevertheless, the G1249V variant is a conservative amino acid substitution, which is not likely to impact secondary protein structure as these residues share similar properties.

Laboratory for Molecular Medicine, Mass General Brigham Personalized Medicine
Classification: Uncertain significance. Last evaluated: 2016-09-12. Review status: criteria provided, single submitter. Criteria: LMM Criteria. Collection method: clinical testing. Allele origin: germline. Observed: 2 variant alleles.
Comment: The p.Gly1249Val variant in MYBPC3 has been reported in 4 individuals with HCM ( Berge 2014, LMM data) and was absent from large population studies. Computationa l prediction tools and conservation analysis suggest that the p.Gly1249Val varia nt may impact the protein, though this information is not predictive enough to d etermine pathogenicity. In summary, the clinical significance of the p.Gly1249Va l variant is uncertain.

Literature cited by the submitters: PubMed 24111713 (cited by 4 submitters); PubMed 27532257 (cited by 3 submitters); PubMed 33673806 (cited by Labcorp Genetics (formerly Invitae), Labcorp and Mayo Clinic Laboratories, Mayo Clinic); PubMed 37652022 (cited by Labcorp Genetics (formerly Invitae), Labcorp and Mayo Clinic Laboratories, Mayo Clinic); PubMed 24793961 (cited by Mayo Clinic Laboratories, Mayo Clinic and Ambry Genetics); PubMed 25611685 (cited by Mayo Clinic Laboratories, Mayo Clinic and Ambry Genetics); PubMed 28679633 (cited by Mayo Clinic Laboratories, Mayo Clinic); PubMed 28971120 (cited by Mayo Clinic Laboratories, Mayo Clinic and Ambry Genetics); PubMed 35653365 (cited by Mayo Clinic Laboratories, Mayo Clinic and Ambry Genetics).